The following is an entry in ClinVar:

NM_001365999.1(SZT2):c.1767C>A (p.Asp589Glu)

Gene: SZT2 (SZT2 subunit of KICSTOR complex; plus strand). Cytogenetic location: 1p34.2.
Variant type: single nucleotide variant.
Coding change: c.1767C>A on transcript NM_001365999.1 (MANE Select); coding-DNA position 1767, C replaced by A.
Protein change: p.Asp589Glu; replaces aspartic acid 589 with glutamic acid.
Molecular consequence: missense variant.
Genome position (GRCh38, 1-based): chr1:43,422,223, C>A. VCF-style: chr1-43422223-C-A. GRCh37 (hg19) VCF-style: chr1-43887894-C-A.
Other names: c.1767C>A, p.Asp589Glu (NM_015284.4); short protein forms D589E.
Identifiers: ClinVar variation 1399994 (VCV001399994.8), dbSNP rs2153932449, ClinGen allele CA340009886.

ClinVar aggregate classification (germline): Uncertain significance (1 of 4 stars; one submission).

Submission:

Labcorp Genetics (formerly Invitae), Labcorp
Classification: Uncertain significance. Last evaluated: 2022-06-13. Review status: criteria provided, single submitter. Criteria: Invitae Variant Classification Sherloc (09022015). Collection method: clinical testing. Allele origin: germline.
Comment: In summary, the available evidence is currently insufficient to determine the role of this variant in disease. Therefore, it has been classified as a Variant of Uncertain Significance. Algorithms developed to predict the effect of missense changes on protein structure and function are either unavailable or do not agree on the potential impact of this missense change (SIFT: "Deleterious"; PolyPhen-2: "Probably Damaging"; Align-GVGD: "Class C0"). This variant has not been reported in the literature in individuals affected with SZT2-related conditions. This variant is not present in population databases (gnomAD no frequency). This sequence change replaces aspartic acid, which is acidic and polar, with glutamic acid, which is acidic and polar, at codon 589 of the SZT2 protein (p.Asp589Glu).